The following is an entry in ClinVar:

NM_153365.3(TAPT1):c.182G>C (p.Arg61Thr)

Genes: TAPT1 (transmembrane anterior posterior transformation 1; minus strand), LOC129992296 (ATAC-STARR-seq lymphoblastoid silent region 15304; plus strand). Cytogenetic location: 4p15.32.
Variant type: single nucleotide variant.
Coding change: c.182G>C on transcript NM_153365.3 (MANE Select); coding-DNA position 182, G replaced by C.
Protein change: p.Arg61Thr; replaces arginine 61 with threonine.
Molecular consequence: missense variant.
Genome position (GRCh38, 1-based): chr4:16,226,276, C>G on the plus strand (G>C on the coding strand, the complement: TAPT1 is on the minus strand). VCF-style: chr4-16226276-C-G. GRCh37 (hg19) VCF-style: chr4-16227899-C-G.
Other names: short protein forms R61T.
Identifiers: ClinVar variation 1483431 (VCV001483431.8), dbSNP rs2108907994, ClinGen allele CA356490397.

ClinVar aggregate classification (germline): Uncertain significance (1 of 4 stars; one submission).

Submission:

Labcorp Genetics (formerly Invitae), Labcorp
Classification: Uncertain significance. Last evaluated: 2022-02-04. Review status: criteria provided, single submitter. Criteria: Invitae Variant Classification Sherloc (09022015). Collection method: clinical testing. Allele origin: germline.
Comment: In summary, the available evidence is currently insufficient to determine the role of this variant in disease. Therefore, it has been classified as a Variant of Uncertain Significance. Algorithms developed to predict the effect of missense changes on protein structure and function (SIFT, PolyPhen-2, Align-GVGD) all suggest that this variant is likely to be tolerated. This variant has not been reported in the literature in individuals affected with TAPT1-related conditions. This variant is not present in population databases (gnomAD no frequency). This sequence change replaces arginine, which is basic and polar, with threonine, which is neutral and polar, at codon 61 of the TAPT1 protein (p.Arg61Thr).